The following is an entry in ClinVar:

NM_014361.4(CNTN5):c.1731T>G (p.Thr577=)

Gene: CNTN5 (contactin 5; plus strand). Cytogenetic location: 11q22.1.
Variant type: single nucleotide variant.
Coding change: c.1731T>G on transcript NM_014361.4 (MANE Select); coding-DNA position 1731, T replaced by G.
Protein change: p.Thr577=; no amino-acid change (threonine 577 retained).
Molecular consequence: synonymous variant.
Genome position (GRCh38, 1-based): chr11:100,193,510, T>G. VCF-style: chr11-100193510-T-G. GRCh37 (hg19) VCF-style: chr11-100064242-T-G.
Other names: c.1731T>G, p.Thr577= (NM_001243270.2, NM_001243271.2); c.1509T>G, p.Thr503= (NM_175566.2).
Identifiers: ClinVar variation 3039543 (VCV003039543.2), dbSNP rs201539942, ClinGen allele CA6242546.

ClinVar aggregate classification (germline): Likely benign (0 of 4 stars; one submission).

Conditions:
CNTN5-related disorder. Also called: CNTN5-related condition.

Allele frequency attached by ClinVar (database versions not stated): TOPMed 0.00002; gnomAD 0.00009; 1000 Genomes Project 30x 0.00016; 1000 Genomes Project 0.00020; ExAC 0.00072.
gnomAD v4.1: 329 of 1,601,242 alleles (0.021%); highest among the groups gnomAD compares: South Asian, 0.35%; 6 homozygotes.

Submission:

PreventionGenetics, part of Exact Sciences
Classification: Likely benign for CNTN5-related condition. Last evaluated: 2019-05-24. Review status: no assertion criteria provided. Collection method: clinical testing. Allele origin: germline.
Comment: This variant is classified as likely benign based on ACMG/AMP sequence variant interpretation guidelines (Richards et al. 2015 PMID: 25741868, with internal and published modifications).